The following is an entry in ClinVar:

NM_000204.5(CFI):c.1435G>A (p.Glu479Lys)

Gene: CFI (complement factor I; minus strand). Cytogenetic location: 4q25.
Variant type: single nucleotide variant.
Coding change: c.1435G>A on transcript NM_000204.5 (MANE Select); coding-DNA position 1435, G replaced by A.
Protein change: p.Glu479Lys; replaces glutamic acid 479 with lysine.
Molecular consequence: missense variant. On other transcripts: non-coding transcript variant (3).
Genome position (GRCh38, 1-based): chr4:109,742,590, C>T on the plus strand (G>A on the coding strand, the complement: CFI is on the minus strand). VCF-style: chr4-109742590-C-T. GRCh37 (hg19) VCF-style: chr4-110663746-C-T.
Other names: c.1459G>A, p.Glu487Lys (NM_001318057.2, NM_001375278.1); c.1414G>A, p.Glu472Lys (NM_001331035.2, NM_001375280.1, NM_001375282.1); c.1435G>A, p.Glu479Lys (NM_001375279.1, NM_001375281.1); c.1378G>A, p.Glu460Lys (NM_001375283.1); c.826G>A, p.Glu276Lys (NM_001375284.1); short protein forms E472K, E487K, E276K, E460K, E479K.
Identifiers: ClinVar variation 1930292 (VCV001930292.5), dbSNP rs1723942602, ClinGen allele CA357855404.
Genomic context (GRCh38, chr4:109,742,590, plus strand): 5'-AAAACTTAGAGCAGTTGCTTATTAGTTTAACTTCACCCCACTGAAGTGAAAAGACTCTTT[C>T]GTTATCTAAACAAAGTGAGAAAGCAAACATTTAGAAGTCACAAATGAGAAATCTAAATAC-3'
Protein context (NP_000195.3, residues 469-489): VSGWGREKDN[Glu479Lys]RVFSLQWGEV

ClinVar aggregate classification (germline): Uncertain significance (1 of 4 stars; one submission).

Allele frequency attached by ClinVar (database versions not stated): gnomAD exomes 0.00001.

Submission:

Labcorp Genetics (formerly Invitae), Labcorp
Classification: Uncertain significance. Last evaluated: 2024-04-30. Review status: criteria provided, single submitter. Criteria: Invitae Variant Classification Sherloc (09022015). Collection method: clinical testing. Allele origin: germline.
Comment: This sequence change replaces glutamic acid, which is acidic and polar, with lysine, which is basic and polar, at codon 479 of the CFI protein (p.Glu479Lys). This variant is not present in population databases (gnomAD no frequency). This variant has not been reported in the literature in individuals affected with CFI-related conditions. ClinVar contains an entry for this variant (Variation ID: 1930292). Advanced modeling of protein sequence and biophysical properties (such as structural, functional, and spatial information, amino acid conservation, physicochemical variation, residue mobility, and thermodynamic stability) performed at Invitae indicates that this missense variant is not expected to disrupt CFI protein function with a negative predictive value of 80%. In summary, the available evidence is currently insufficient to determine the role of this variant in disease. Therefore, it has been classified as a Variant of Uncertain Significance.